The following is an entry in ClinVar:

ClinVar aggregate classification (germline): Uncertain significance (1 of 4 stars; one submission).

Conditions:
RASopathy. Also called: rasopathies; Noonan spectrum disorder. Identifiers: Orphanet 536391, MedGen C5555857, MONDO:0021060.

Submission:

Labcorp Genetics (formerly Invitae), Labcorp
Classification: Uncertain significance for RASopathy. Last evaluated: 2025-10-01. Review status: criteria provided, single submitter. Criteria: Invitae Variant Classification Sherloc (09022015). Collection method: clinical testing. Allele origin: germline.
Comment: This sequence change replaces arginine, which is basic and polar, with glycine, which is neutral and non-polar, at codon 401 of the RAF1 protein (p.Arg401Gly). This variant is not present in population databases (gnomAD no frequency). This variant has not been reported in the literature in individuals affected with RAF1-related conditions. ClinVar contains an entry for this variant (Variation ID: 2079970). Invitae Evidence Modeling incorporating data from in vitro experimental studies (internal data) indicates that this missense variant is not expected to disrupt RAF1 function with a negative predictive value of 95%. In summary, the available evidence is currently insufficient to determine the role of this variant in disease. Therefore, it has been classified as a Variant of Uncertain Significance.

NM_002880.4(RAF1):c.1201C>G (p.Arg401Gly)

Gene: RAF1 (Raf-1 proto-oncogene, serine/threonine kinase; minus strand). Cytogenetic location: 3p25.2.
Variant type: single nucleotide variant.
Coding change: c.1201C>G on transcript NM_002880.4 (MANE Select); coding-DNA position 1201, C replaced by G.
Protein change: p.Arg401Gly; replaces arginine 401 with glycine.
Molecular consequence: missense variant. On other transcripts: non-coding transcript variant (3).
Genome position (GRCh38, 1-based): chr3:12,590,967, G>C on the plus strand (C>G on the coding strand, the complement: RAF1 is on the minus strand). VCF-style: chr3-12590967-G-C. GRCh37 (hg19) VCF-style: chr3-12632466-G-C.
Other names: c.1261C>G, p.Arg421Gly (NM_001354689.3); c.1201C>G, p.Arg401Gly (NM_001354690.3); c.958C>G, p.Arg320Gly (NM_001354691.3, NM_001354692.3); c.1102C>G, p.Arg368Gly (NM_001354693.3); c.1018C>G, p.Arg340Gly (NM_001354694.3); c.859C>G, p.Arg287Gly (NM_001354695.3); short protein forms R287G, R421G, R320G, R340G, R368G, R401G.
Identifiers: ClinVar variation 2079970 (VCV002079970.4), dbSNP rs2125343630, ClinGen allele CA351502706.